The following is an entry in ClinVar:

ClinVar aggregate classification (germline): Likely benign (0 of 4 stars; one submission).

Conditions:
TOPBP1-related disorder. Also called: TOPBP1-related condition.

Allele frequency attached by ClinVar (database versions not stated): gnomAD exomes 0.00002; ExAC 0.00008; gnomAD 0.00025; TOPMed 0.00035; ESP Exome Variant Server 0.00067.
gnomAD v4.1: 62 of 1,456,842 alleles (0.0043%); highest among the groups gnomAD compares: African/African-American, 0.079%; no homozygotes.

Submission:

PreventionGenetics, part of Exact Sciences
Classification: Likely benign for TOPBP1-related condition. Last evaluated: 2023-02-15. Review status: no assertion criteria provided. Collection method: clinical testing. Allele origin: germline.
Comment: This variant is classified as likely benign based on ACMG/AMP sequence variant interpretation guidelines (Richards et al. 2015 PMID: 25741868, with internal and published modifications).

NM_007027.4(TOPBP1):c.723C>T (p.Leu241=)

Gene: TOPBP1 (DNA topoisomerase II binding protein 1; minus strand). Cytogenetic location: 3q22.1.
Variant type: single nucleotide variant.
Coding change: c.723C>T on transcript NM_007027.4 (MANE Select); coding-DNA position 723, C replaced by T.
Protein change: p.Leu241=; no amino-acid change (leucine 241 retained).
Molecular consequence: synonymous variant.
Genome position (GRCh38, 1-based): chr3:133,655,309, G>A on the plus strand (C>T on the coding strand, the complement: TOPBP1 is on the minus strand). VCF-style: chr3-133655309-G-A. GRCh37 (hg19) VCF-style: chr3-133374153-G-A.
Other names: c.723C>T, p.Leu241= (NM_001363889.2).
Identifiers: ClinVar variation 3054755 (VCV003054755.2), dbSNP rs375922864, ClinGen allele CA2624647.